The following is an entry in ClinVar:

ClinVar aggregate classification (germline): Uncertain significance (1 of 4 stars; one submission).

Conditions:
KCNC1-related disorder. Also called: KCNC1-related condition; KCNC1-Related Disorders. Identifiers: MedGen CN381541.

gnomAD v4.1: 1 of 1,586,080 alleles (0.000063%); highest among the groups gnomAD compares: Non-Finnish European, 0.000085%; no homozygotes.

Submission:

PreventionGenetics, part of Exact Sciences
Classification: Uncertain significance for KCNC1-related condition. Last evaluated: 2025-11-09. Review status: criteria provided, single submitter. Criteria: ACMG Guidelines, 2015. Collection method: clinical testing. Allele origin: germline.
Comment: The KCNC1 c.518A>C variant is predicted to result in the amino acid substitution p.Gln173Pro. To our knowledge, this variant has not been reported in the literature or in a large population database (gnomAD), indicating this variant is rare. At this time, the clinical significance of this variant is uncertain due to the absence of conclusive functional and genetic evidence.

NM_001112741.2(KCNC1):c.518A>C (p.Gln173Pro)

Gene: KCNC1 (potassium voltage-gated channel subfamily C member 1; plus strand). Cytogenetic location: 11p15.1.
Variant type: single nucleotide variant.
Coding change: c.518A>C on transcript NM_001112741.2 (MANE Select); coding-DNA position 518, A replaced by C.
Protein change: p.Gln173Pro; replaces glutamine 173 with proline.
Molecular consequence: missense variant.
Genome position (GRCh38, 1-based): chr11:17,736,520, A>C. VCF-style: chr11-17736520-A-C. GRCh37 (hg19) VCF-style: chr11-17758067-A-C.
Other names: c.518A>C, p.Gln173Pro (NM_004976.4); short protein forms Q173P.
Identifiers: ClinVar variation 5000305 (VCV005000305.1).
Genomic context (GRCh38, chr11:17,736,520, plus strand): 5'-AGCGCCTGGCGCTCAGTGACTCCCCGGATGGCCGGCCTGGCGGCTTTTGGCGCCGCTGGC[A>C]GCCGCGCATCTGGGCGCTCTTCGAGGACCCGTACTCGTCCCGCTACGCGCGGGTAAGTGA-3'
Protein context (NP_001106212.1, residues 163-183): GRPGGFWRRW[Gln173Pro]PRIWALFEDP